The following is an entry in ClinVar:

ClinVar aggregate classification (germline): Uncertain significance. Review status: criteria provided, multiple submitters, no conflicts (2 of 4 stars). 2 submissions from 2 submitters: Uncertain significance (2). Last evaluated 2025-12-08.

Conditions:
Tuberous sclerosis 2 (TSC2). Identifiers: Orphanet 805, MedGen C1860707, MONDO:0013199, OMIM 613254.
Hereditary cancer-predisposing syndrome. Also called: Neoplastic Syndromes, Hereditary; Hereditary Cancer Syndrome; Tumor predisposition; Hereditary neoplastic syndrome. Identifiers: Orphanet 140162, MedGen C0027672, MeSH D009386, MONDO:0015356.

Submissions (2):

Labcorp Genetics (formerly Invitae), Labcorp
Classification: Uncertain significance for Tuberous sclerosis 2. Last evaluated: 2025-12-08. Review status: criteria provided, single submitter. Criteria: Invitae Variant Classification Sherloc (09022015). Collection method: clinical testing. Allele origin: germline.
Comment: This sequence change replaces leucine, which is neutral and non-polar, with valine, which is neutral and non-polar, at codon 219 of the TSC2 protein (p.Leu219Val). This variant is not present in population databases (gnomAD no frequency). This variant has not been reported in the literature in individuals affected with TSC2-related conditions. ClinVar contains an entry for this variant (Variation ID: 1462978). Invitae Evidence Modeling of protein sequence and biophysical properties (such as structural, functional, and spatial information, amino acid conservation, physicochemical variation, residue mobility, and thermodynamic stability) indicates that this missense variant is not expected to disrupt TSC2 protein function with a negative predictive value of 95%. This variant disrupts the p.Leu219 amino acid residue in TSC2. Other variant(s) that disrupt this residue have been determined to be pathogenic (PMID: 21309039, 32211034). This suggests that this residue is clinically significant, and that variants that disrupt this residue are likely to be disease-causing. In summary, the available evidence is currently insufficient to determine the role of this variant in disease. Therefore, it has been classified as a Variant of Uncertain Significance.

Ambry Genetics
Classification: Uncertain significance for Hereditary cancer-predisposing syndrome. Last evaluated: 2025-02-10. Review status: criteria provided, single submitter. Criteria: Ambry Variant Classification Scheme 2023. Collection method: clinical testing. Allele origin: germline.
Comment: The p.L219V variant (also known as c.655C>G), located in coding exon 7 of the TSC2 gene, results from a C to G substitution at nucleotide position 655. The leucine at codon 219 is replaced by valine, an amino acid with highly similar properties. This amino acid position is highly conserved in available vertebrate species. In addition, this alteration is predicted to be deleterious by in silico analysis. Based on the available evidence, the clinical significance of this variant remains unclear.

Literature cited by the submitters: PubMed 21309039 (cited by Labcorp Genetics (formerly Invitae), Labcorp); PubMed 32211034 (cited by Labcorp Genetics (formerly Invitae), Labcorp).

NM_000548.5(TSC2):c.655C>G (p.Leu219Val)

Gene: TSC2 (TSC complex subunit 2; plus strand). Cytogenetic location: 16p13.3.
Variant type: single nucleotide variant.
Coding change: c.655C>G on transcript NM_000548.5 (MANE Select); coding-DNA position 655, C replaced by G.
Protein change: p.Leu219Val; replaces leucine 219 with valine.
Molecular consequence: missense variant.
Genome position (GRCh38, 1-based): chr16:2,056,650, C>G. VCF-style: chr16-2056650-C-G. GRCh37 (hg19) VCF-style: chr16-2106651-C-G.
Other names: c.655C>G, p.Leu219Val (NM_001077183.3, NM_001114382.3, NM_001363528.2 and 3 more transcripts); c.544C>G, p.Leu182Val (NM_001318827.2); c.508C>G, p.Leu170Val (NM_001318829.2); c.55C>G, p.Leu19Val (NM_001318831.2); c.688C>G, p.Leu230Val (NM_001318832.2); short protein forms L219V, L230V, L182V, L170V, L19V.
Identifiers: ClinVar variation 1462978 (VCV001462978.9), dbSNP rs369046625, ClinGen allele CA394312330.
Genomic context (GRCh38, chr16:2,056,650, plus strand): 5'-CCTGTGGGGAGGAGCTGGGGTAGGACGGGCGTGAGCCGTCTCCCTCTCCACCAGGTCTCC[C>G]TGCAGGTGCTGGACGCCGTGGTCTGCTACAACTGCCTGCCGGCTGAGAGCCTCCCGCTGT-3'
Protein context (NP_000539.2, residues 209-229): TASSVDIEVS[Leu219Val]QVLDAVVCYN